The following is an entry in ClinVar:

NM_004341.5(CAD):c.6558_6559dup (p.Arg2187fs)

Genes: CAD (carbamoyl-phosphate synthetase 2, aspartate transcarbamylase, and dihydroorotase; plus strand), LOC126806172 (CDK7 strongly-dependent group 2 enhancer GRCh37_chr2:27465505-27466704; plus strand). Cytogenetic location: 2p23.3.
Variant type: Duplication.
Coding change: c.6558_6559dup on transcript NM_004341.5 (MANE Select); coding-DNA positions 6558 to 6559, 2 bases duplicated (CC; older notation c.6558_6559dupCC).
Protein change: p.Arg2187fs; shifts the reading frame from arginine 2187.
Molecular consequence: frameshift variant.
Genome position (GRCh38, 1-based): chr2:27,243,275-27,243,276, CC duplicated; duplicating any 2 consecutive bases within chr2:27,243,273-27,243,276 gives the same sequence; the c. name uses the placement nearest the transcript's 3' end. VCF-style (leftmost placement, unchanged base first): chr2-27243272-G-GCC. GRCh37 (hg19) VCF-style: chr2-27466140-G-GCC.
Other names: c.6369_6370dup, p.Arg2124fs (NM_001306079.2); short protein forms R2124fs, R2187fs.
Identifiers: ClinVar variation 1480917 (VCV001480917.8), dbSNP rs2148101657, ClinGen allele CA2573134423.

ClinVar aggregate classification (germline): Uncertain significance (1 of 4 stars; one submission).

Submission:

Labcorp Genetics (formerly Invitae), Labcorp
Classification: Uncertain significance. Last evaluated: 2021-02-15. Review status: criteria provided, single submitter. Criteria: Invitae Variant Classification Sherloc (09022015). Collection method: clinical testing. Allele origin: germline.
Comment: Experimental studies and prediction algorithms are not available or were not evaluated, and the functional significance of this variant is currently unknown. In summary, the available evidence is currently insufficient to determine the role of this variant in disease. Therefore, it has been classified as a Variant of Uncertain Significance. This variant has not been reported in the literature in individuals with CAD-related conditions. This variant is not present in population databases (ExAC no frequency). This sequence change creates a premature translational stop signal (p.Arg2187Profs*6) in the CAD gene. While this is not anticipated to result in nonsense mediated decay, it is expected to disrupt the last 39 amino acid(s) of the CAD protein.